The following is an entry in ClinVar:

ClinVar aggregate classification (germline): Pathogenic/Likely pathogenic. Review status: criteria provided, multiple submitters, no conflicts (2 of 4 stars). 3 submissions from 3 submitters: Pathogenic (2); Likely pathogenic (1). Last evaluated 2025-11-12.

Conditions:
Mitochondrial complex V (ATP synthase) deficiency, nuclear type 5. Also called: MITOCHONDRIAL COMPLEX V (ATP SYNTHASE) DEFICIENCY, ATP5F1D TYPE; Mitochondrial complex 5 (ATP synthase) deficiency nuclear type 5. Identifiers: MedGen C4748269, MONDO:0020858, OMIM 618120.
Mitochondrial complex I deficiency, nuclear type 4. Also called: Mitochondrial complex 1 deficiency, nuclear type 4. Identifiers: MedGen C4748753, MONDO:0032609, OMIM 618225.

Allele frequency attached by ClinVar (database versions not stated): gnomAD 0.00001; ExAC 0.00003; gnomAD exomes 0.00001; TOPMed 0.00003.
gnomAD v4.1: 17 of 1,608,990 alleles (0.0011%); highest among the groups gnomAD compares: East Asian, 0.0022%; no homozygotes.

Submissions (3):

Labcorp Genetics (formerly Invitae), Labcorp
Classification: Pathogenic. Last evaluated: 2025-11-12. Review status: criteria provided, single submitter. Criteria: Invitae Variant Classification Sherloc (09022015). Collection method: clinical testing. Allele origin: germline.
Comment: This sequence change creates a premature translational stop signal (p.Arg159*) in the NDUFV1 gene. It is expected to result in an absent or disrupted protein product. Loss-of-function variants in NDUFV1 are known to be pathogenic (PMID: 10080174, 11349233). This variant is present in population databases (rs761756462, gnomAD 0.005%). This variant has not been reported in the literature in individuals affected with NDUFV1-related conditions. ClinVar contains an entry for this variant (Variation ID: 2413150). For these reasons, this variant has been classified as Pathogenic.

Illumina Laboratory Services, Illumina
Classification: Likely pathogenic for Mitochondrial complex V (ATP synthase) deficiency, nuclear type 5. Last evaluated: 2024-01-09. Review status: criteria provided, single submitter. Criteria: ICSLVariantClassificationCriteria RUGD 01 April 2020. Collection method: clinical testing. Allele origin: unknown.
Comment: The NDUFV1 c.475C>T p.(Arg159Ter) nonsense variant is expected to result in the loss of normal protein function through either protein truncation or nonsense-mediated mRNA decay. To our knowledge, this variant has not been reported in the peer-reviewed literature. This variant is not observed at a significant frequency in version 2.1.1 or version 4.0.0 of the Genome Aggregation Database. Based on the available evidence, the c.475C>T p.(Arg159Ter) variant is classified as likely pathogenic for primary mitochondrial disease.

Laboratory of Inherited Metabolic Diseases, Research centre for medical genetics
Classification: Pathogenic for Mitochondrial complex I deficiency, nuclear type 4. Last evaluated: 2023-01-31. Review status: criteria provided, single submitter. Criteria: ACMG Guidelines, 2015. Collection method: clinical testing. Allele origin: unknown. Inheritance: Autosomal recessive inheritance. Affected: yes. Observed: 1 variant allele.

Literature cited by the submitters: PubMed 10080174 (cited by Labcorp Genetics (formerly Invitae), Labcorp); PubMed 11349233 (cited by Labcorp Genetics (formerly Invitae), Labcorp).

NM_007103.4(NDUFV1):c.475C>T (p.Arg159Ter)

Gene: NDUFV1 (NADH:ubiquinone oxidoreductase core subunit V1; plus strand). Cytogenetic location: 11q13.2.
Variant type: single nucleotide variant.
Coding change: c.475C>T on transcript NM_007103.4 (MANE Select); coding-DNA position 475, C replaced by T.
Protein change: p.Arg159Ter; replaces arginine 159 with a stop codon.
Molecular consequence: nonsense.
Genome position (GRCh38, 1-based): chr11:67,609,600, C>T. VCF-style: chr11-67609600-C-T. GRCh37 (hg19) VCF-style: chr11-67377071-C-T.
Other names: c.448C>T, p.Arg150Ter (NM_001166102.2); short protein forms R150*, R159*.
Identifiers: ClinVar variation 2413150 (VCV002413150.8), dbSNP rs761756462, ClinGen allele CA6143184.